The following is an entry in ClinVar:

NM_002180.3(IGHMBP2):c.2080C>T (p.Arg694Trp)

Gene: IGHMBP2 (immunoglobulin mu DNA binding protein 2; plus strand). Cytogenetic location: 11q13.3.
Variant type: single nucleotide variant.
Coding change: c.2080C>T on transcript NM_002180.3 (MANE Select); coding-DNA position 2080, C replaced by T.
Protein change: p.Arg694Trp; replaces arginine 694 with tryptophan.
Molecular consequence: missense variant.
Genome position (GRCh38, 1-based): chr11:68,936,560, C>T. VCF-style: chr11-68936560-C-T. GRCh37 (hg19) VCF-style: chr11-68704028-C-T.
Other names: short protein forms R694W.
Identifiers: ClinVar variation 258567 (VCV000258567.32), dbSNP rs2236654, ClinGen allele CA6153834.
Genomic context (GRCh38, chr11:68,936,560, plus strand): 5'-AGGACCGGAAGCCAGCGGCAGGAGGGAGGCCAGGAGGCTGCAGCACCTGCCAGACAGGGC[C>T]GGAAGAAGCCGGCTGGGAAGTCTCTGGCCTCTGAAGCTCCATCTCAGCCCAGCCTCAACG-3'
Protein context (NP_002171.2, residues 684-704): QEAAAPARQG[Arg694Trp]KKPAGKSLAS

ClinVar aggregate classification (germline): Benign/Likely benign. Review status: criteria provided, multiple submitters, no conflicts (2 of 4 stars). 15 submissions from 15 submitters: Benign (11); Likely benign (2). 2 of the submissions do not count toward it. Last evaluated 2026-06-12.

Conditions:
Charcot-Marie-Tooth disease. Also called: Charcot-Marie-Tooth Neuropathy; Charcot-Marie-Tooth Hereditary Neuropathy. Identifiers: Orphanet 166, MedGen C0007959, MONDO:0015626.
Charcot-Marie-Tooth disease axonal type 2S. Also called: CHARCOT-MARIE-TOOTH NEUROPATHY, TYPE 2S; CHARCOT-MARIE-TOOTH DISEASE, AXONAL, AUTOSOMAL RECESSIVE, TYPE 2S. Identifiers: Orphanet 443073, MedGen C4015349, MONDO:0014511, OMIM 616155.
Autosomal recessive distal spinal muscular atrophy 1. Also called: SPINAL MUSCULAR ATROPHY, DIAPHRAGMATIC; Spinal muscular atrophy with respiratory distress 1; NEURONOPATHY, DISTAL HEREDITARY MOTOR, HARDING TYPE VI; NEUROPATHY, DISTAL HEREDITARY MOTOR, AUTOSOMAL RECESSIVE 1; HMN VI; NEURONOPATHY, SEVERE INFANTILE AXONAL, WITH RESPIRATORY FAILURE. Identifiers: Orphanet 98920, MedGen C1858517, MONDO:0011436, OMIM 604320.

Allele frequency attached by ClinVar (database versions not stated): 1000 Genomes Project 0.13299; 1000 Genomes Project 30x 0.13601; gnomAD exomes 0.18775 and 0.22392; ExAC 0.18957; gnomAD 0.19980 and 0.20662; TOPMed 0.21065; ESP Exome Variant Server 0.22300.
gnomAD v4.1: 356,947 of 1,611,560 alleles (22%); highest among the groups gnomAD compares: Non-Finnish European, 25%; 42,150 homozygotes.

Submissions (15):

Women's Health and Genetics/Laboratory Corporation of America, LabCorp
Classification: Likely benign. Last evaluated: 2026-06-12. Review status: criteria provided, single submitter. Criteria: LabCorp Variant Classification Summary - May 2015. Collection method: clinical testing. Allele origin: germline.

Labcorp Genetics (formerly Invitae), Labcorp
Classification: Benign for Autosomal recessive distal spinal muscular atrophy 1; Charcot-Marie-Tooth disease axonal type 2S. Last evaluated: 2026-02-04. Review status: criteria provided, single submitter. Criteria: Invitae Variant Classification Sherloc (09022015). Collection method: clinical testing. Allele origin: germline.

Blueprint Genetics
Classification: Likely benign. Last evaluated: 2024-11-27. Review status: criteria provided, single submitter. Criteria: ACMG Guidelines, 2015. Collection method: clinical testing. Allele origin: germline.

Genome-Nilou Lab
Classification: Benign for Charcot-Marie-Tooth disease axonal type 2S. Last evaluated: 2021-08-10. Review status: criteria provided, single submitter. Criteria: ACMG Guidelines, 2015. Collection method: clinical testing. Allele origin: germline. Affected: no.

Illumina Laboratory Services, Illumina
Classification: Benign for Autosomal recessive distal spinal muscular atrophy 1. Last evaluated: 2017-04-27. Review status: criteria provided, single submitter. Criteria: ICSL Variant Classification Criteria 13 December 2019. Collection method: clinical testing. Allele origin: germline.
Comment: This variant was observed as part of a predisposition screen in an ostensibly healthy population. A literature search was performed for the gene, cDNA change, and amino acid change (where applicable). No publications were found based on this search. Allele frequency data from public databases was too high to be consistent with this variant causing disease. Therefore, this variant is classified as benign.

Athena Diagnostics
Classification: Benign for Autosomal recessive distal spinal muscular atrophy 1. Last evaluated: 2017-04-14. Review status: criteria provided, single submitter. Criteria: Athena Diagnostics Criteria. Collection method: clinical testing. Allele origin: germline.

Laboratory for Molecular Medicine, Mass General Brigham Personalized Medicine
Classification: Benign. Last evaluated: 2016-03-28. Review status: criteria provided, single submitter. Criteria: LMM Criteria. Collection method: clinical testing. Allele origin: germline.
Comment: Variant identified in a genome or exome case(s) and assessed due to predicted null impact of the variant or pathogenic assertions in the literature or databases. Disclaimer: This variant has not undergone full assessment. The following are preliminary notes: 19% of total chromosomes in ExAC

Mayo Clinic Laboratories, Mayo Clinic
Classification: Benign. Last evaluated: 2016-03-02. Review status: criteria provided, single submitter. Criteria: ACMG Guidelines, 2015. Collection method: clinical testing. Allele origin: germline. Observed: 889 variant alleles.

Eurofins Ntd Llc (ga)
Classification: Benign. Last evaluated: 2015-07-17. Review status: criteria provided, single submitter. Criteria: EGL Classification Definitions 2015. Collection method: clinical testing. Allele origin: germline. Observed: 1 variant allele, 1 homozygote.

GeneDx
Classification: Benign. Last evaluated: 2015-03-03. Review status: criteria provided, single submitter. Criteria: GeneDx Variant Classification Process June 2021. Collection method: clinical testing. Allele origin: germline. Affected: yes.

Breakthrough Genomics
Classification: Benign. Review status: criteria provided, single submitter. Criteria: ACMG Guidelines, 2015. Collection method: not provided. Allele origin: germline. Inheritance: Autosomal recessive inheritance. Affected: yes.

Molecular Genetics Laboratory, London Health Sciences Centre
Classification: Benign for Charcot-Marie-Tooth disease. Review status: criteria provided, single submitter. Criteria: ACMG Guidelines, 2015. Collection method: clinical testing. Allele origin: germline. Affected: yes.

PreventionGenetics, part of Exact Sciences
Classification: Benign. Review status: criteria provided, single submitter. Criteria: ACMG Guidelines, 2015. Collection method: clinical testing. Allele origin: germline.

Clinical Genetics, Academic Medical Center
Classification: Benign. Review status: no assertion criteria provided. Collection method: clinical testing. Allele origin: germline. Affected: yes. Study: VKGL Data-share Consensus. Not counted in ClinVar's aggregate classification.

Diagnostic Laboratory, Department of Genetics, University Medical Center Groningen
Classification: Benign for Autosomal recessive distal spinal muscular atrophy 1. Review status: no assertion criteria provided. Collection method: clinical testing. Allele origin: germline. Affected: yes. Study: VKGL Data-share Consensus. Not counted in ClinVar's aggregate classification.